The following is an entry in ClinVar:

NM_001372078.1(REV3L):c.4877del (p.Asp1626fs)

Gene: REV3L (REV3 like, DNA directed polymerase zeta catalytic subunit; minus strand). Cytogenetic location: 6q21.
Variant type: Deletion.
Coding change: c.4877del on transcript NM_001372078.1 (MANE Select); coding-DNA position 4877, one base deleted (A; older notation c.4877delA).
Protein change: p.Asp1626fs; shifts the reading frame from aspartic acid 1626.
Molecular consequence: frameshift variant.
Genome position (GRCh38, 1-based): chr6:111,373,478, T deleted on the plus strand (A on the coding strand, the reverse complement: REV3L is on the minus strand). VCF-style (leftmost placement, unchanged base first): chr6-111373477-AT-A. GRCh37 (hg19) VCF-style: chr6-111694680-AT-A.
Other names: c.4643del, p.Asp1548fs (NM_001286431.2, NM_001286432.2); c.4877del, p.Asp1626fs (NM_002912.5); short protein forms D1548fs, D1626fs.
Identifiers: ClinVar variation 4855680 (VCV004855680.1).

ClinVar aggregate classification (germline): Uncertain significance (1 of 4 stars; one submission).

Conditions:
REV3L-related disorder. Also called: REV3L-related condition.

Submission:

3billion
Classification: Uncertain significance for REV3L-related disorder. Last evaluated: 2025-12-10. Review status: criteria provided, single submitter. Criteria: ACMG Guidelines, 2015. Collection method: clinical testing. Allele origin: germline. Affected: yes.
Comment: The variant is not observed in the gnomAD v4.1.0 dataset. Predicted Consequence/Location: Frameshift: predicted to result in a loss or disruption of normal protein function through nonsense-mediated decay (NMD) or protein truncation. Multiple pathogenic variants are reported downstream of the variant. Therefore, this variant is classified as VUS according to the recommendation of ACMG/AMP guideline.